The following is an entry in ClinVar:

ClinVar aggregate classification (germline): Pathogenic (1 of 4 stars; one submission).

Conditions:
Treacher Collins syndrome 1 (TCS1). Also called: TCOF1-Related Treacher Collins Syndrome. Identifiers: Orphanet 861, MedGen CN315775, MONDO:0007944, OMIM 154500.

Submission:

Juno Genomics, Hangzhou Juno Genomics, Inc
Classification: Pathogenic for Treacher Collins syndrome 1. Review status: criteria provided, single submitter. Criteria: ACMG Guidelines, 2015. Collection method: clinical testing. Allele origin: germline. Affected: yes.
Comment: Null variant in a gene where loss of function (LOF) is a known mechanism of disease.;Absent from controls (or at extremely low frequency if recessive) in Genome Aggregation Database, Exome Sequencing Project, 1000 Genomes Project, or Exome Aggregation Consortium.;Patient's phenotype or family history is highly specific for a disease with a single genetic etiology.

NM_001371623.1(TCOF1):c.2549_2550del (p.Val850fs)

Gene: TCOF1 (treacle ribosome biogenesis factor 1; plus strand). Cytogenetic location: 5q32.
Variant type: Microsatellite.
Coding change: c.2549_2550del on transcript NM_001371623.1 (MANE Select); coding-DNA positions 2549 to 2550, 2 bases deleted (TG; older notation c.2549_2550delTG).
Protein change: p.Val850fs; shifts the reading frame from valine 850.
Molecular consequence: frameshift variant.
Genome position (GRCh38, 1-based): chr5:150,379,299-150,379,300, TG deleted; deleting any 2 consecutive bases within chr5:150,379,297-150,379,300 gives the same sequence; the c. name uses the placement nearest the transcript's 3' end. VCF-style (leftmost placement, unchanged base first): chr5-150379296-CTG-C. GRCh37 (hg19) VCF-style: chr5-149758859-CTG-C.
Other names: c.2318_2319del, p.Val773fs (NM_000356.4, NM_001135245.2); c.2549_2550del, p.Val850fs (NM_001008657.3, NM_001135243.2, NM_001135244.2 and 1 more transcripts); short protein forms V773fs, V850fs.
Identifiers: ClinVar variation 3382558 (VCV003382558.2).